The following is an entry in ClinVar:

NM_052947.4(ALPK2):c.1498T>C (p.Ser500Pro)

Gene: ALPK2 (alpha kinase 2; minus strand). Cytogenetic location: 18q21.31.
Variant type: single nucleotide variant.
Coding change: c.1498T>C on transcript NM_052947.4 (MANE Select); coding-DNA position 1498, T replaced by C.
Protein change: p.Ser500Pro; replaces serine 500 with proline.
Molecular consequence: missense variant.
Genome position (GRCh38, 1-based): chr18:58,579,278, A>G on the plus strand (T>C on the coding strand, the complement: ALPK2 is on the minus strand). VCF-style: chr18-58579278-A-G. GRCh37 (hg19) VCF-style: chr18-56246510-A-G.
Other names: short protein forms S500P.
Identifiers: ClinVar variation 3290651 (VCV003290651.1).

ClinVar aggregate classification (germline): Uncertain significance (1 of 4 stars; one submission).

Submission:

Ambry Genetics
Classification: Uncertain significance. Last evaluated: 2024-06-05. Review status: criteria provided, single submitter. Criteria: Ambry Variant Classification Scheme 2023. Collection method: clinical testing. Allele origin: germline.
Comment: The p.S500P variant (also known as c.1498T>C), located in coding exon 3 of the ALPK2 gene, results from a T to C substitution at nucleotide position 1498. The serine at codon 500 is replaced by proline, an amino acid with similar properties. This amino acid position is conserved. In addition, this alteration is predicted to be tolerated by in silico analysis. Based on the available evidence, the clinical significance of this variant remains unclear.